The following is an entry in ClinVar:

NM_001376.5(DYNC1H1):c.7127A>G (p.Asn2376Ser)

Gene: DYNC1H1 (dynein cytoplasmic 1 heavy chain 1; plus strand). Cytogenetic location: 14q32.31.
Variant type: single nucleotide variant.
Coding change: c.7127A>G on transcript NM_001376.5 (MANE Select); coding-DNA position 7127, A replaced by G.
Protein change: p.Asn2376Ser; replaces asparagine 2376 with serine.
Molecular consequence: missense variant.
Genome position (GRCh38, 1-based): chr14:102,015,217, A>G. VCF-style: chr14-102015217-A-G. GRCh37 (hg19) VCF-style: chr14-102481554-A-G.
Other names: short protein forms N2376S.
Identifiers: ClinVar variation 246515 (VCV000246515.6), dbSNP rs775274723, ClinGen allele CA7352744.
Genomic context (GRCh38, chr14:102,015,217, plus strand): 5'-TGTCGCGCTGCGGCATGGTCTGGTTCAGTGAGGATGTGCTGAGCACCGACATGATCTTCA[A>G]CAACTTCCTGGCCAGGCTGCGCAGCATCCCGCTGGATGAAGGGGAGGATGAGGCACAGCG-3'
Protein context (NP_001367.2, residues 2366-2386): EDVLSTDMIF[Asn2376Ser]NFLARLRSIP

ClinVar aggregate classification (germline): Uncertain significance. Review status: criteria provided, multiple submitters, no conflicts (2 of 4 stars). 3 submissions from 2 submitters: Uncertain significance (3). Last evaluated 2018-01-12.

Conditions:
Autosomal dominant cerebellar ataxia. Also called: Spinocerebellar Ataxia, Dominant. Identifiers: Orphanet 99, MedGen C4087347, MONDO:0020380.
Charcot-Marie-Tooth disease axonal type 2O. Also called: CHARCOT-MARIE-TOOTH NEUROPATHY, AXONAL, TYPE 2O; CHARCOT-MARIE-TOOTH DISEASE, AXONAL, AUTOSOMAL DOMINANT, TYPE 2O; Charcot-Marie-Tooth Neuropathy Type 2O; Charcot-Marie-Tooth disease, axonal, type 20. Identifiers: Orphanet 284232, MedGen C3280220, MONDO:0013644, OMIM 614228.

Allele frequency attached by ClinVar (database versions not stated): gnomAD exomes below 0.00001; ExAC 0.00001.
gnomAD v4.1: 2 of 1,614,210 alleles (0.00012%); highest among the groups gnomAD compares: Non-Finnish European, 0.000085%; no homozygotes.

Submissions (3):

Illumina Laboratory Services, Illumina
Classification: Uncertain significance for Spinocerebellar Ataxia, Dominant. Last evaluated: 2018-01-12. Review status: criteria provided, single submitter. Criteria: ICSL Variant Classification Criteria 13 December 2019. Collection method: clinical testing. Allele origin: germline.

Illumina Laboratory Services, Illumina
Classification: Uncertain significance for Charcot-Marie-Tooth disease axonal type 2O. Last evaluated: 2018-01-12. Review status: criteria provided, single submitter. Criteria: ICSL Variant Classification Criteria 13 December 2019. Collection method: clinical testing. Allele origin: germline.

GeneDx
Classification: Uncertain significance. Last evaluated: 2016-03-14. Review status: criteria provided, single submitter. Criteria: GeneDx Variant Classification (06012015). Collection method: clinical testing. Allele origin: germline. Affected: yes.
Comment: The N2376S variant in the DYNC1H1 gene has not been reported previously as a pathogenic variant, nor as a benign variant, to our knowledge. The N2376S variant was not observed in approximately 6,500 individuals of European and African American ancestry in the NHLBI Exome Sequencing Project, indicating it is not a common benign variant in these populations. The N2376S variant is a conservative amino acid substitution, which is not likely to impact secondary protein structure as these residues share similar properties. This substitution occurs at a position that is conserved across species. In silico analysis is inconsistent in its predictions as to whether or not the variant is damaging to the protein structure/function. We interpret N2376S as a variant of uncertain significance